The following is an entry in ClinVar:

NM_002485.5(NBN):c.896G>C (p.Arg299Thr)

Gene: NBN (nibrin; minus strand). Cytogenetic location: 8q21.3.
Variant type: single nucleotide variant.
Coding change: c.896G>C on transcript NM_002485.5 (MANE Select); coding-DNA position 896, G replaced by C.
Protein change: p.Arg299Thr; replaces arginine 299 with threonine.
Molecular consequence: missense variant.
Genome position (GRCh38, 1-based): chr8:89,970,364, C>G on the plus strand (G>C on the coding strand, the complement: NBN is on the minus strand). VCF-style: chr8-89970364-C-G. GRCh37 (hg19) VCF-style: chr8-90982592-C-G.
Other names: c.650G>C, p.Arg217Thr (NM_001024688.3, NM_001440379.1, NM_001440380.1); short protein forms R299T, R217T.
Identifiers: ClinVar variation 4722605 (VCV004722605.1).

ClinVar aggregate classification (germline): Uncertain significance (1 of 4 stars; one submission).

Conditions:
Microcephaly, normal intelligence and immunodeficiency (NBS). Also called: BERLIN BREAKAGE SYNDROME; Immunodeficiency, microcephaly with normal intelligence; IMMUNODEFICIENCY, MICROCEPHALY, AND CHROMOSOMAL INSTABILITY; SEEMANOVA SYNDROME II; Ataxia telangiectasia variant V1; Nijmegen breakage syndrome. Identifiers: Orphanet 647, MedGen C0398791, MONDO:0009623, OMIM 251260.

Submission:

Labcorp Genetics (formerly Invitae), Labcorp
Classification: Uncertain significance for Microcephaly, normal intelligence and immunodeficiency. Last evaluated: 2025-07-03. Review status: criteria provided, single submitter. Criteria: Invitae Variant Classification Sherloc (09022015). Collection method: clinical testing. Allele origin: germline.
Comment: This sequence change replaces arginine, which is basic and polar, with threonine, which is neutral and polar, at codon 299 of the NBN protein (p.Arg299Thr). This variant also falls at the last nucleotide of exon 7, which is part of the consensus splice site for this exon. This variant is not present in population databases (gnomAD no frequency). This variant has not been reported in the literature in individuals affected with NBN-related conditions. An algorithm developed to predict the effect of missense changes on protein structure and function (PolyPhen-2) suggests that this variant is likely to be tolerated. Variants that disrupt the consensus splice site are a relatively common cause of aberrant splicing (PMID: 17576681, 9536098). Algorithms developed to predict the effect of sequence changes on RNA splicing suggest that this variant may disrupt the consensus splice site. In summary, the available evidence is currently insufficient to determine the role of this variant in disease. Therefore, it has been classified as a Variant of Uncertain Significance.

Literature cited by the submitters: PubMed 17576681; PubMed 9536098.